The following is an entry in ClinVar:

NM_000719.7(CACNA1C):c.6007G>A (p.Gly2003Arg)

Genes: CACNA1C (calcium voltage-gated channel subunit alpha1 C; plus strand), CACNA1C-AS1 (CACNA1C antisense RNA 1; minus strand). Cytogenetic location: 12p13.33.
Variant type: single nucleotide variant.
Coding change: c.6007G>A on transcript NM_000719.7 (MANE Select); coding-DNA position 6007, G replaced by A.
Protein change: p.Gly2003Arg; replaces glycine 2003 with arginine.
Molecular consequence: missense variant.
Genome position (GRCh38, 1-based): chr12:2,688,669, G>A. VCF-style: chr12-2688669-G-A. GRCh37 (hg19) VCF-style: chr12-2797835-G-A.
Other names: c.6151G>A, p.Gly2051Arg (NM_001129827.2); c.6130G>A, p.Gly2044Arg (NM_001129829.2); c.6112G>A, p.Gly2038Arg (NM_001129830.3, NM_001167624.3); c.6091G>A, p.Gly2031Arg (NM_001129831.2); c.6067G>A, p.Gly2023Arg (NM_001129832.2); c.6064G>A, p.Gly2022Arg (NM_001129833.2, NM_001129834.2, NM_001129835.2); c.6058G>A, p.Gly2020Arg (NM_001129836.2); c.6031G>A, p.Gly2011Arg (NM_001129837.2, NM_001129838.2); and 6 more; short protein forms G2003R, G2038R, G2051R, G2009R, G2023R, G2086R, G2000R, G2011R.
Identifiers: ClinVar variation 263770 (VCV000263770.11), dbSNP rs886038918, ClinGen allele CA10587749.

ClinVar aggregate classification (germline): Conflicting classifications of pathogenicity. Review status: criteria provided, conflicting classifications (1 of 4 stars). 2 submissions from 2 submitters: Uncertain significance (1); Likely benign (1). Last evaluated 2025-08-10.

Conditions:
Long QT syndrome (LQTS). Identifiers: MedGen C0023976, MeSH D008133, MONDO:0002442. Disease mechanism: loss of function. Inheritance: Various modes of inheritance.
Cardiovascular phenotype. Identifiers: MedGen CN230736.

Allele frequency attached by ClinVar (database versions not stated): gnomAD 0.00001; gnomAD exomes 0.00001; TOPMed 0.00002.
gnomAD v4.1: 21 of 1,613,248 alleles (0.0013%); highest among the groups gnomAD compares: East Asian, 0.0067%; no homozygotes.

Submissions (2):

Labcorp Genetics (formerly Invitae), Labcorp
Classification: Likely benign for Long QT syndrome. Last evaluated: 2025-08-10. Review status: criteria provided, single submitter. Criteria: Invitae Variant Classification Sherloc (09022015). Collection method: clinical testing. Allele origin: germline.

Ambry Genetics
Classification: Uncertain significance for Cardiovascular phenotype. Last evaluated: 2013-11-22. Review status: criteria provided, single submitter. Criteria: Ambry Autosomal Dominant and X-Linked criteria (10/2015). Collection method: clinical testing. Allele origin: germline. Observed: 1 variant allele.
Comment: The p.G2003R variant (also known as c.6007G>A) is located in coding exon 46 of the CACNA1C gene. This alteration results from a G to A substitution at nucleotide position 6007. The glycine at codon 2003 is replaced by arginine, an amino acid with dissimilar properties. Ã¢â‚¬â€¹This variant was not reported in population-based cohorts in the following databases: Database of Single Nucleotide Polymorphisms (dbSNP), NHLBI Exome Sequencing Project (ESP) and 1000 Genomes Project. This amino acid position is poorly conserved on sequence alignment.This variant is predicted to be benign by PolyPhen and tolerated by SIFT in silico analyses. Since supporting evidence is limited at this time, the clinical significance of p.G2003R remains unclear.